The following is an entry in ClinVar:

ClinVar aggregate classification (germline): Uncertain significance (1 of 4 stars; one submission).

Conditions:
Inborn genetic diseases. Identifiers: MedGen C0950123, MeSH D030342.

gnomAD v4.1: 1 of 1,611,950 alleles (0.000062%); highest among the groups gnomAD compares: Non-Finnish European, 0.000085%; no homozygotes.

Submission:

Ambry Genetics
Classification: Uncertain significance for Inborn genetic diseases. Last evaluated: 2024-09-30. Review status: criteria provided, single submitter. Criteria: Ambry Variant Classification Scheme 2023. Collection method: clinical testing. Allele origin: germline.
Comment: The p.K1633E variant (also known as c.4897A>G), located in coding exon 34 of the LRRK2 gene, results from an A to G substitution at nucleotide position 4897. The lysine at codon 1633 is replaced by glutamic acid, an amino acid with similar properties. This amino acid position is conserved. In addition, the in silico prediction for this alteration is inconclusive. Based on the available evidence, the clinical significance of this variant remains unclear.

NM_198578.4(LRRK2):c.4897A>G (p.Lys1633Glu)

Gene: LRRK2 (leucine rich repeat kinase 2; plus strand). Cytogenetic location: 12q12.
Variant type: single nucleotide variant.
Coding change: c.4897A>G on transcript NM_198578.4 (MANE Select); coding-DNA position 4897, A replaced by G.
Protein change: p.Lys1633Glu; replaces lysine 1633 with glutamic acid.
Molecular consequence: missense variant.
Genome position (GRCh38, 1-based): chr12:40,320,057, A>G. VCF-style: chr12-40320057-A-G. GRCh37 (hg19) VCF-style: chr12-40713859-A-G.
Other names: short protein forms K1633E.
Identifiers: ClinVar variation 3540705 (VCV003540705.1).